The following is an entry in ClinVar:

ClinVar aggregate classification (germline): Uncertain significance (1 of 4 stars; one submission).

Conditions:
Conotruncal heart malformations (CTHM). Also called: Conotruncal heart malformations, variable. Identifiers: Orphanet 2445, Orphanet 3384, Orphanet 3426, MedGen C1857586, MONDO:0016581, OMIM 217095.

gnomAD v4.1: 6 of 1,549,744 alleles (0.00039%); highest among the groups gnomAD compares: African/African-American, 0.0014%; no homozygotes.

Submission:

Labcorp Genetics (formerly Invitae), Labcorp
Classification: Uncertain significance for Conotruncal heart malformations. Last evaluated: 2025-10-13. Review status: criteria provided, single submitter. Criteria: Invitae Variant Classification Sherloc (09022015). Collection method: clinical testing. Allele origin: germline.
Comment: This sequence change replaces asparagine, which is neutral and polar, with aspartic acid, which is acidic and polar, at codon 57 of the NKX2-6 protein (p.Asn57Asp). This variant is present in population databases (no rsID available, gnomAD 0.01%). This variant has not been reported in the literature in individuals affected with NKX2-6-related conditions. Invitae Evidence Modeling of protein sequence and biophysical properties (such as structural, functional, and spatial information, amino acid conservation, physicochemical variation, residue mobility, and thermodynamic stability) indicates that this missense variant is not expected to disrupt NKX2-6 protein function with a negative predictive value of 80%. In summary, the available evidence is currently insufficient to determine the role of this variant in disease. Therefore, it has been classified as a Variant of Uncertain Significance.

NM_001136271.3(NKX2-6):c.169A>G (p.Asn57Asp)

Gene: NKX2-6 (NK2 homeobox 6; minus strand). Cytogenetic location: 8p21.2.
Variant type: single nucleotide variant.
Coding change: c.169A>G on transcript NM_001136271.3 (MANE Select); coding-DNA position 169, A replaced by G.
Protein change: p.Asn57Asp; replaces asparagine 57 with aspartic acid.
Molecular consequence: missense variant.
Genome position (GRCh38, 1-based): chr8:23,706,430, T>C on the plus strand (A>G on the coding strand, the complement: NKX2-6 is on the minus strand). VCF-style: chr8-23706430-T-C. GRCh37 (hg19) VCF-style: chr8-23563943-T-C.
Other names: short protein forms N57D.
Identifiers: ClinVar variation 4740035 (VCV004740035.1).
Genomic context (GRCh38, chr8:23,706,430, plus strand): 5'-AGGGACCCCCAGGAGGCTCCGAACCATCCAGCTTTCTGTCACCGCCGCCGCCACCAGCGT[T>C]GTGAACCTCTGACCCTCGCGGCTCTGCGTCCATTCTCAGGTACTGAAAGTTTTCCGGGCT-3'
Protein context (NP_001129743.2, residues 47-67): DAEPRGSEVH[Asn57Asp]AGGGGGDRKL